The following is an entry in ClinVar:

ClinVar aggregate classification (germline): Conflicting classifications of pathogenicity. Review status: criteria provided, conflicting classifications (1 of 4 stars). 3 submissions from 3 submitters: Uncertain significance (1); Benign (1). 1 of the submissions does not count toward it. Last evaluated 2026-01-20.

Conditions:
ATP5F1D-related disorder. Also called: ATP5F1D-related condition.
Mitochondrial complex V (ATP synthase) deficiency, nuclear type 5. Also called: Mitochondrial complex 5 (ATP synthase) deficiency nuclear type 5; MITOCHONDRIAL COMPLEX V (ATP SYNTHASE) DEFICIENCY, ATP5F1D TYPE. Identifiers: MedGen C4748269, MONDO:0020858, OMIM 618120.

Allele frequency attached by ClinVar (database versions not stated): gnomAD exomes 0.00053; ExAC 0.00231; gnomAD 0.00294 and 0.00316; TOPMed 0.00342; 1000 Genomes Project 0.00379; 1000 Genomes Project 30x 0.00422.
gnomAD v4.1: 799 of 1,402,914 alleles (0.057%); highest among the groups gnomAD compares: African/African-American, 0.85%; 4 homozygotes.

Submissions (3):

Labcorp Genetics (formerly Invitae), Labcorp
Classification: Benign. Last evaluated: 2026-01-20. Review status: criteria provided, single submitter. Criteria: Invitae Variant Classification Sherloc (09022015). Collection method: clinical testing. Allele origin: germline.

Revvity Omics, Revvity
Classification: Uncertain significance for Mitochondrial complex V (ATP synthase) deficiency, nuclear type 5. Last evaluated: 2021-07-17. Review status: criteria provided, single submitter. Criteria: ACMG Guidelines, 2015. Collection method: clinical testing. Allele origin: germline.

PreventionGenetics, part of Exact Sciences
Classification: Benign for ATP5F1D-related condition. Last evaluated: 2019-11-07. Review status: no assertion criteria provided. Collection method: clinical testing. Allele origin: germline. Not counted in ClinVar's aggregate classification.
Comment: This variant is classified as benign based on ACMG/AMP sequence variant interpretation guidelines (Richards et al. 2015 PMID: 25741868, with internal and published modifications).

NM_001687.5(ATP5F1D):c.25C>T (p.Arg9Cys)

Gene: ATP5F1D (ATP synthase F1 subunit delta; plus strand). Cytogenetic location: 19p13.3.
Variant type: single nucleotide variant.
Coding change: c.25C>T on transcript NM_001687.5 (MANE Select); coding-DNA position 25, C replaced by T.
Protein change: p.Arg9Cys; replaces arginine 9 with cysteine.
Molecular consequence: missense variant.
Genome position (GRCh38, 1-based): chr19:1,241,875, C>T. VCF-style: chr19-1241875-C-T. GRCh37 (hg19) VCF-style: chr19-1241874-C-T.
Other names: c.25C>T (NM_001001975.1); c.25C>T, p.Arg9Cys (NM_001001975.2); short protein forms R9C.
Identifiers: ClinVar variation 1682802 (VCV001682802.13), dbSNP rs531544101, ClinGen allele CA9040184.